The following is an entry in ClinVar:

ClinVar aggregate classification (germline): Likely benign (1 of 4 stars; one submission).

Allele frequency attached by ClinVar (database versions not stated): TOPMed below 0.00001; gnomAD exomes 0.00001.
gnomAD v4.1: 6 of 1,593,274 alleles (0.00038%); highest among the groups gnomAD compares: Non-Finnish European, 0.00043%; no homozygotes.

Submission:

CeGaT Center for Human Genetics Tuebingen
Classification: Likely benign. Last evaluated: 2022-05-01. Review status: criteria provided, single submitter. Criteria: CeGaT Center For Human Genetics Tuebingen Variant Classification Criteria Version 2. Collection method: clinical testing. Allele origin: germline. Affected: yes. Observed: 1 variant allele.
Comment: CDH23: BP4, BP7

NM_022124.6(CDH23):c.3106+14C>T

Gene: CDH23 (cadherin related 23; plus strand). Cytogenetic location: 10q22.1.
Variant type: single nucleotide variant.
Coding change: c.3106+14C>T on transcript NM_022124.6 (MANE Select); 14 bases into the intron after coding-DNA position 3106, C replaced by T.
Molecular consequence: intron variant. On other transcripts: synonymous variant (1).
Genome position (GRCh38, 1-based): chr10:71,707,063, C>T. VCF-style: chr10-71707063-C-T. GRCh37 (hg19) VCF-style: chr10-73466820-C-T.
Other names: c.3106+14C>T (NM_001171930.2); c.3120C>T, p.Ala1040= (NM_001171931.2).
Identifiers: ClinVar variation 2640570 (VCV002640570.24), dbSNP rs1223707539, ClinGen allele CA470062105.
Genomic context (GRCh38, chr10:71,707,063, plus strand): 5'-GGACAACGACGTGGGCCTCAATGCAGAGCTCAGCTACTTCATCACAGGTGCTGCCCCGGC[C>T]TCCGCCCACCTGTGCAGGCCTCCTGGGGCCCTGCCTCCACCCCTCCCAGATGGACAGCCA-3'